The following is an entry in ClinVar:

NM_001286611.2(REPS1):c.2101A>G (p.Lys701Glu)

Gene: REPS1 (RALBP1 associated Eps domain containing 1; minus strand). Cytogenetic location: 6q24.1.
Variant type: single nucleotide variant.
Coding change: c.2101A>G on transcript NM_001286611.2 (MANE Select); coding-DNA position 2101, A replaced by G.
Protein change: p.Lys701Glu; replaces lysine 701 with glutamic acid.
Molecular consequence: missense variant.
Genome position (GRCh38, 1-based): chr6:138,908,783, T>C on the plus strand (A>G on the coding strand, the complement: REPS1 is on the minus strand). VCF-style: chr6-138908783-T-C. GRCh37 (hg19) VCF-style: chr6-139229920-T-C.
Other names: c.2020A>G, p.Lys674Glu (NM_001128617.3); c.1828A>G, p.Lys610Glu (NM_001286612.2); c.2098A>G, p.Lys700Glu (NM_031922.5); short protein forms K674E, K610E, K700E, K701E.
Identifiers: ClinVar variation 2005563 (VCV002005563.4), dbSNP rs2482540587, ClinGen allele CA365806186.

ClinVar aggregate classification (germline): Uncertain significance (1 of 4 stars; one submission).

Allele frequency attached by ClinVar (database versions not stated): gnomAD exomes below 0.00001.
gnomAD v4.1: 1 of 1,614,152 alleles (0.000062%); highest among the groups gnomAD compares: Non-Finnish European, 0.000085%; no homozygotes.

Submission:

Labcorp Genetics (formerly Invitae), Labcorp
Classification: Uncertain significance. Last evaluated: 2022-04-12. Review status: criteria provided, single submitter. Criteria: Invitae Variant Classification Sherloc (09022015). Collection method: clinical testing. Allele origin: germline.
Comment: In summary, the available evidence is currently insufficient to determine the role of this variant in disease. Therefore, it has been classified as a Variant of Uncertain Significance. Algorithms developed to predict the effect of missense changes on protein structure and function are either unavailable or do not agree on the potential impact of this missense change (SIFT: "Tolerated"; PolyPhen-2: "Probably Damaging"; Align-GVGD: "Class C0"). This variant has not been reported in the literature in individuals affected with REPS1-related conditions. This variant is not present in population databases (gnomAD no frequency). This sequence change replaces lysine, which is basic and polar, with glutamic acid, which is acidic and polar, at codon 701 of the REPS1 protein (p.Lys701Glu).